The following is an entry in ClinVar:

ClinVar aggregate classification (germline): Conflicting classifications of pathogenicity. Review status: criteria provided, conflicting classifications (1 of 4 stars). 3 submissions from 3 submitters: Uncertain significance (1); Likely benign (2). Last evaluated 2025-08-04.

Conditions:
Inborn genetic diseases. Identifiers: MedGen C0950123, MeSH D030342.

Allele frequency attached by ClinVar (database versions not stated): gnomAD exomes 0.00002 and 0.00001; gnomAD 0.00003 and 0.00004; TOPMed 0.00006.
gnomAD v4.1: 26 of 1,613,818 alleles (0.0016%); highest among the groups gnomAD compares: Middle Eastern, 0.016%; no homozygotes.

Submissions (3):

Ambry Genetics
Classification: Uncertain significance for Inborn genetic diseases. Last evaluated: 2025-08-04. Review status: criteria provided, single submitter. Criteria: Ambry Variant Classification Scheme 2023. Collection method: clinical testing. Allele origin: germline.

CeGaT Center for Human Genetics Tuebingen
Classification: Likely benign. Last evaluated: 2025-02-01. Review status: criteria provided, single submitter. Criteria: CeGaT Center For Human Genetics Tuebingen Variant Classification Criteria Version 2. Collection method: clinical testing. Allele origin: germline. Affected: yes. Observed: 1 variant allele.
Comment: TRIP11: BP4

GeneDx
Classification: Likely benign. Last evaluated: 2017-07-17. Review status: criteria provided, single submitter. Criteria: GeneDx Variant Classification (06012015). Collection method: clinical testing. Allele origin: germline. Affected: yes.
Comment: This variant is considered likely benign or benign based on one or more of the following criteria: it is a conservative change, it occurs at a poorly conserved position in the protein, it is predicted to be benign by multiple in silico algorithms, and/or has population frequency not consistent with disease.

NM_004239.4(TRIP11):c.1184C>T (p.Ser395Phe)

Gene: TRIP11 (thyroid hormone receptor interactor 11; minus strand). Cytogenetic location: 14q32.12.
Variant type: single nucleotide variant.
Coding change: c.1184C>T on transcript NM_004239.4 (MANE Select); coding-DNA position 1184, C replaced by T.
Protein change: p.Ser395Phe; replaces serine 395 with phenylalanine.
Molecular consequence: missense variant.
Genome position (GRCh38, 1-based): chr14:92,014,217, G>A on the plus strand (C>T on the coding strand, the complement: TRIP11 is on the minus strand). VCF-style: chr14-92014217-G-A. GRCh37 (hg19) VCF-style: chr14-92480561-G-A.
Other names: c.1181C>T, p.Ser394Phe (NM_001321851.1); short protein forms S395F, S394F.
Identifiers: ClinVar variation 510938 (VCV000510938.15), dbSNP rs759965071, ClinGen allele CA265619199.
Genomic context (GRCh38, chr14:92,014,217, plus strand): 5'-AAAAACAACTACTATGCAATGAAACAGCAATCTGAAATAAGTTCCAAAGACTGTATACCA[G>A]ACAGTGCTTGTTGTAGTCTGAACACTTCTTCCACTGATGCACTCTGGGCAAGAATTCTTT-3'
Protein context (NP_004230.2, residues 385-405): EEVFRLQQAL[Ser395Phe]DAENEIMRLS